The following is an entry in ClinVar:

ClinVar aggregate classification (germline): Likely pathogenic (1 of 4 stars; one submission).

Conditions:
Dilated cardiomyopathy 1G (CMD1G). Identifiers: Orphanet 154, MedGen C1858763, MONDO:0011400, OMIM 604145.
Autosomal recessive limb-girdle muscular dystrophy type 2J (LGMDR10). Also called: Limb-girdle muscular dystrophy, type 2J; MUSCULAR DYSTROPHY, LIMB-GIRDLE, AUTOSOMAL RECESSIVE 10. Identifiers: Orphanet 140922, MedGen C1837342, MONDO:0012127, OMIM 608807.

Submission:

Labcorp Genetics (formerly Invitae), Labcorp
Classification: Likely pathogenic for Dilated cardiomyopathy 1G; Autosomal recessive limb-girdle muscular dystrophy type 2J. Last evaluated: 2024-08-27. Review status: criteria provided, single submitter. Criteria: Invitae Variant Classification Sherloc (09022015). Collection method: clinical testing. Allele origin: germline.
Comment: This sequence change creates a premature translational stop signal (p.Thr33157Serfs*11) in the TTN gene. While this is not anticipated to result in nonsense mediated decay, it is expected to create a truncated TTN protein. This variant is not present in population databases (gnomAD no frequency). This variant has not been reported in the literature in individuals affected with TTN-related conditions. This variant is located in the A band of TTN (PMID: 25589632). Truncating variants in this region are significantly overrepresented in patients affected with dilated cardiomyopathy (PMID: 25589632). Truncating variants in this region have also been reported in individuals affected with autosomal recessive centronuclear myopathy (PMID: 23975875). In summary, the currently available evidence indicates that the variant is pathogenic, but additional data are needed to prove that conclusively. Therefore, this variant has been classified as Likely Pathogenic.

Literature cited by the submitters: PubMed 25589632; PubMed 23975875.

NM_001267550.2(TTN):c.99469_99470del (p.Thr33157fs)

Genes: TTN-AS1 (TTN antisense RNA 1; plus strand), TTN (titin; minus strand). Cytogenetic location: 2q31.2.
Variant type: Microsatellite.
Coding change: c.99469_99470del on transcript NM_001267550.2 (MANE Select); coding-DNA positions 99469 to 99470, 2 bases deleted (AC; older notation c.99469_99470delAC).
Protein change: p.Thr33157fs; shifts the reading frame from threonine 33157.
Molecular consequence: frameshift variant.
Genome position (GRCh38, 1-based): chr2:178,537,737-178,537,738, GT deleted on the plus strand (AC on the coding strand, the reverse complement: TTN is on the minus strand); deleting any 2 consecutive bases within chr2:178,537,737-178,537,745 gives the same sequence; the c. name uses the placement nearest the transcript's 3' end. VCF-style (leftmost placement, unchanged base first): chr2-178537736-AGT-A. GRCh37 (hg19) VCF-style: chr2-179402463-AGT-A.
Other names: c.94546_94547del, p.Thr31516fs (NM_001256850.1); c.72274_72275del, p.Thr24092fs (NM_003319.4); c.91765_91766del, p.Thr30589fs (NM_133378.4); c.72649_72650del, p.Thr24217fs (NM_133432.3); c.72850_72851del, p.Thr24284fs (NM_133437.4); short protein forms T24092fs, T24217fs, T24284fs, T30589fs, T31516fs, T33157fs.
Identifiers: ClinVar variation 3758545 (VCV003758545.2).
Genomic context (GRCh38, chr2:178,537,736, plus strand): 5'-ATTGGTGGCTATGCAGGTATAAACACCTTCATCTTCCTGTTCCTCTGTCATTACTGTAAG[AGT>A]GTGTGTGCGTCCATCTGAAGACATTTTGTATTTCCGGCTTTGTATGAGCTCTTTACCAAA-3'